The following is an entry in ClinVar:

NM_030761.5(WNT4):c.164A>C (p.Gln55Pro)

Gene: WNT4 (Wnt family member 4; minus strand). Cytogenetic location: 1p36.12.
Variant type: single nucleotide variant.
Coding change: c.164A>C on transcript NM_030761.5 (MANE Select); coding-DNA position 164, A replaced by C.
Protein change: p.Gln55Pro; replaces glutamine 55 with proline.
Molecular consequence: missense variant.
Genome position (GRCh38, 1-based): chr1:22,129,765, T>G on the plus strand (A>C on the coding strand, the complement: WNT4 is on the minus strand). VCF-style: chr1-22129765-T-G. GRCh37 (hg19) VCF-style: chr1-22456258-T-G.
Other names: short protein forms Q55P.
Identifiers: ClinVar variation 2578570 (VCV002578570.25), dbSNP rs1645968697, ClinGen allele CA338921340.

ClinVar aggregate classification (germline): Uncertain significance (1 of 4 stars; one submission).

Submission:

CeGaT Center for Human Genetics Tuebingen
Classification: Uncertain significance. Last evaluated: 2023-08-01. Review status: criteria provided, single submitter. Criteria: CeGaT Center For Human Genetics Tuebingen Variant Classification Criteria Version 2. Collection method: clinical testing. Allele origin: germline. Affected: yes. Observed: 1 variant allele.
Comment: WNT4: PM2, PP4